The following is an entry in ClinVar:

NM_080605.4(B3GALT6):c.535C>T (p.Arg179Cys)

Gene: B3GALT6 (beta-1,3-galactosyltransferase 6; plus strand). Cytogenetic location: 1p36.33.
Variant type: single nucleotide variant.
Coding change: c.535C>T on transcript NM_080605.4 (MANE Select); coding-DNA position 535, C replaced by T.
Protein change: p.Arg179Cys; replaces arginine 179 with cysteine.
Molecular consequence: missense variant.
Genome position (GRCh38, 1-based): chr1:1,232,813, C>T. VCF-style: chr1-1232813-C-T. GRCh37 (hg19) VCF-style: chr1-1168193-C-T.
Other names: short protein forms R179C.
Identifiers: ClinVar variation 2019945 (VCV002019945.1), dbSNP rs1262018584, ClinGen allele CA337826403.

ClinVar aggregate classification (germline): Uncertain significance (1 of 4 stars; one submission).

Conditions:
Ehlers-Danlos syndrome, spondylodysplastic type, 2 (EDSSPD2). Also called: Ehlers-Danlos syndrome, progeroid type, 2. Identifiers: Orphanet 536467, Orphanet 75496, MedGen C3809210, MONDO:0014139, OMIM 615349.
Spondyloepimetaphyseal dysplasia with joint laxity (SEMDJL). Identifiers: MedGen C0432243, MONDO:0019675.

Allele frequency attached by ClinVar (database versions not stated): gnomAD exomes 0.00001.

Submission:

Labcorp Genetics (formerly Invitae), Labcorp
Classification: Uncertain significance for Ehlers-Danlos syndrome, spondylodysplastic type, 2; Spondyloepimetaphyseal dysplasia with joint laxity. Last evaluated: 2022-08-09. Review status: criteria provided, single submitter. Criteria: Invitae Variant Classification Sherloc (09022015). Collection method: clinical testing. Allele origin: germline.
Comment: This sequence change replaces arginine, which is basic and polar, with cysteine, which is neutral and slightly polar, at codon 179 of the B3GALT6 protein (p.Arg179Cys). This variant is not present in population databases (gnomAD no frequency). This variant has not been reported in the literature in individuals affected with B3GALT6-related conditions. Algorithms developed to predict the effect of missense changes on protein structure and function are either unavailable or do not agree on the potential impact of this missense change (SIFT: "Deleterious"; PolyPhen-2: "Possibly Damaging"; Align-GVGD: "Class C0"). In summary, the available evidence is currently insufficient to determine the role of this variant in disease. Therefore, it has been classified as a Variant of Uncertain Significance.